The following is an entry in ClinVar:

NM_004714.3(DYRK1B):c.1509C>T (p.Asn503=)

Gene: DYRK1B (dual specificity tyrosine phosphorylation regulated kinase 1B; minus strand). Cytogenetic location: 19q13.2.
Variant type: single nucleotide variant.
Coding change: c.1509C>T on transcript NM_004714.3 (MANE Select); coding-DNA position 1509, C replaced by T.
Protein change: p.Asn503=; no amino-acid change (asparagine 503 retained).
Molecular consequence: synonymous variant.
Genome position (GRCh38, 1-based): chr19:39,826,189, G>A on the plus strand (C>T on the coding strand, the complement: DYRK1B is on the minus strand). VCF-style: chr19-39826189-G-A. GRCh37 (hg19) VCF-style: chr19-40316829-G-A.
Other names: c.1389C>T, p.Asn463= (NM_006483.3); c.1425C>T, p.Asn475= (NM_006484.3).
Identifiers: ClinVar variation 5002393 (VCV005002393.1).

ClinVar aggregate classification (germline): Likely benign (1 of 4 stars; one submission).

Conditions:
DYRK1B-related disorder. Also called: DYRK1B-related condition.

gnomAD v4.1: 3 of 1,587,786 alleles (0.00019%); highest among the groups gnomAD compares: Non-Finnish European, 0.00017%; no homozygotes.

Submission:

PreventionGenetics, part of Exact Sciences
Classification: Likely benign for DYRK1B-related condition. Last evaluated: 2025-04-28. Review status: criteria provided, single submitter. Criteria: ACMG Guidelines, 2015. Collection method: clinical testing. Allele origin: germline.
Comment: This variant is classified as likely benign based on ACMG/AMP sequence variant interpretation guidelines (Richards et al. 2015 PMID: 25741868, with internal and published modifications).